The following is an entry in ClinVar:

NM_000611.6(CD59):c.18G>A (p.Gly6=)

Gene: CD59 (CD59 molecule (CD59 blood group); minus strand). Cytogenetic location: 11p13.
Variant type: single nucleotide variant.
Coding change: c.18G>A on transcript NM_000611.6 (MANE Select); coding-DNA position 18, G replaced by A.
Protein change: p.Gly6=; no amino-acid change (glycine 6 retained).
Molecular consequence: synonymous variant.
Genome position (GRCh38, 1-based): chr11:33,722,428, C>T on the plus strand (G>A on the coding strand, the complement: CD59 is on the minus strand). VCF-style: chr11-33722428-C-T. GRCh37 (hg19) VCF-style: chr11-33743974-C-T.
Other names: p.Gly6=; c.18G>A, p.Gly6= (NM_001127223.1, NM_001127225.2, NM_001127226.2 and 4 more transcripts).
Identifiers: ClinVar variation 774691 (VCV000774691.27), dbSNP rs111771149, ClinGen allele CA5940804.

ClinVar aggregate classification (germline): Benign/Likely benign. Review status: criteria provided, multiple submitters, no conflicts (2 of 4 stars). 8 submissions from 8 submitters: Benign (3); Likely benign (3). 2 of the submissions do not count toward it. Last evaluated 2026-02-04.

Allele frequency attached by ClinVar (database versions not stated): 1000 Genomes Project 30x 0.00109; 1000 Genomes Project 0.00140; ExAC 0.00191; TOPMed 0.00226; gnomAD 0.00232 and 0.00243; ESP Exome Variant Server 0.00254.
gnomAD v4.1: 5,093 of 1,614,016 alleles (0.32%); highest among the groups gnomAD compares: Non-Finnish European, 0.39%; 12 homozygotes.

Submissions (8):

Labcorp Genetics (formerly Invitae), Labcorp
Classification: Benign. Last evaluated: 2026-02-04. Review status: criteria provided, single submitter. Criteria: Invitae Variant Classification Sherloc (09022015). Collection method: clinical testing. Allele origin: germline.

Women's Health and Genetics/Laboratory Corporation of America, LabCorp
Classification: Benign. Last evaluated: 2026-01-22. Review status: criteria provided, single submitter. Criteria: LabCorp Variant Classification Summary - May 2015. Collection method: clinical testing. Allele origin: germline.

CeGaT Center for Human Genetics Tuebingen
Classification: Likely benign. Last evaluated: 2025-05-01. Review status: criteria provided, single submitter. Criteria: CeGaT Center For Human Genetics Tuebingen Variant Classification Criteria Version 2. Collection method: clinical testing. Allele origin: germline. Affected: yes. Observed: 1 variant allele.
Comment: CD59: BP4, BP7

Mayo Clinic Laboratories, Mayo Clinic
Classification: Likely benign. Last evaluated: 2025-03-04. Review status: criteria provided, single submitter. Criteria: ACMG Guidelines, 2015. Collection method: clinical testing. Allele origin: germline. Observed: 5 variant alleles.

Blueprint Genetics
Classification: Likely benign. Last evaluated: 2024-11-07. Review status: criteria provided, single submitter. Criteria: ACMG Guidelines, 2015. Collection method: clinical testing. Allele origin: germline.

Breakthrough Genomics
Classification: Benign. Review status: criteria provided, single submitter. Criteria: ACMG Guidelines, 2015. Collection method: not provided. Allele origin: germline. Inheritance: Autosomal recessive inheritance. Affected: yes.

Clinical Genetics DNA and cytogenetics Diagnostics Lab, Erasmus MC, Erasmus Medical Center
Classification: Likely benign. Review status: no assertion criteria provided. Collection method: clinical testing. Allele origin: germline. Affected: yes. Study: VKGL Data-share Consensus. Not counted in ClinVar's aggregate classification.

Genome Diagnostics Laboratory, University Medical Center Utrecht
Classification: Likely benign. Review status: no assertion criteria provided. Collection method: clinical testing. Allele origin: germline. Affected: yes. Study: VKGL Data-share Consensus. Not counted in ClinVar's aggregate classification.

Literature cited by the submitters: PubMed 30794663 (cited by Mayo Clinic Laboratories, Mayo Clinic).